The following is an entry in ClinVar:

NM_001142864.4(PIEZO1):c.6734G>A (p.Arg2245Gln)

Gene: PIEZO1 (piezo type mechanosensitive ion channel component 1 (Er blood group); minus strand). Cytogenetic location: 16q24.3.
Variant type: single nucleotide variant.
Coding change: c.6734G>A on transcript NM_001142864.4 (MANE Select); coding-DNA position 6734, G replaced by A.
Protein change: p.Arg2245Gln; replaces arginine 2245 with glutamine.
Molecular consequence: missense variant.
Genome position (GRCh38, 1-based): chr16:88,716,825, C>T on the plus strand (G>A on the coding strand, the complement: PIEZO1 is on the minus strand). VCF-style: chr16-88716825-C-T. GRCh37 (hg19) VCF-style: chr16-88783233-C-T.
Other names: PIEZO1, ARG2245GLN (rs2290901); p.Arg2245Gln; c.5276G>A, p.Arg1759Gln (NM_014745.1); short protein forms R2245Q, R1759Q.
Identifiers: ClinVar variation 780317 (VCV000780317.37), dbSNP rs2290901, ClinGen allele CA8231506.

ClinVar aggregate classification (germline): Benign/Likely benign. Review status: criteria provided, multiple submitters, no conflicts (2 of 4 stars). 6 submissions from 6 submitters: Benign (3); Likely benign (2). 1 of the submissions does not count toward it. Last evaluated 2026-01-26.

Conditions:
Blood group, ER (ER). Also called: ER BLOOD GROUP SYSTEM. Identifiers: MedGen C5703066, OMIM 620207.

Allele frequency attached by ClinVar (database versions not stated): gnomAD exomes 0.00220; ExAC 0.00394; ESP Exome Variant Server 0.00921; gnomAD 0.00967 and 0.01007; TOPMed 0.01079; 1000 Genomes Project 30x 0.01343; 1000 Genomes Project 0.01358.
gnomAD v4.1: 3,541 of 1,550,066 alleles (0.23%); highest among the groups gnomAD compares: African/African-American, 3.3%; 52 homozygotes.

Submissions (6):

Labcorp Genetics (formerly Invitae), Labcorp
Classification: Benign. Last evaluated: 2026-01-26. Review status: criteria provided, single submitter. Criteria: Invitae Variant Classification Sherloc (09022015). Collection method: clinical testing. Allele origin: germline.

Mayo Clinic Laboratories, Mayo Clinic
Classification: Likely benign. Last evaluated: 2025-10-14. Review status: criteria provided, single submitter. Criteria: ACMG Guidelines, 2015. Collection method: clinical testing. Allele origin: germline. Observed: 39 variant alleles.
Comment: BS2, BP4

ARUP Laboratories, Molecular Genetics and Genomics, ARUP Laboratories
Classification: Benign. Last evaluated: 2025-07-01. Review status: criteria provided, single submitter. Criteria: ARUP Molecular Germline Variant Investigation Process 2024. Collection method: clinical testing. Allele origin: germline.

CeGaT Center for Human Genetics Tuebingen
Classification: Benign. Last evaluated: 2025-05-01. Review status: criteria provided, single submitter. Criteria: CeGaT Center For Human Genetics Tuebingen Variant Classification Criteria Version 2. Collection method: clinical testing. Allele origin: germline. Affected: yes. Observed: 2 variant alleles.
Comment: PIEZO1: BP4, BS1, BS2

Breakthrough Genomics
Classification: Likely benign. Review status: criteria provided, single submitter. Criteria: ACMG Guidelines, 2015. Collection method: not provided. Allele origin: germline. Inheritance: Autosomal recessive inheritance. Affected: yes.

OMIM
Classification: Affects for ER BLOOD GROUP SYSTEM, ER(5-). Last evaluated: 2023-01-26. Review status: no assertion criteria provided. Collection method: literature only. Allele origin: germline. Not counted in ClinVar's aggregate classification.

Literature cited by the submitters: PubMed 36122374 (cited by OMIM).